The following is an entry in ClinVar:

ClinVar aggregate classification (germline): Uncertain significance. Review status: criteria provided, multiple submitters, no conflicts (2 of 4 stars). 3 submissions from 3 submitters: Uncertain significance (2). 1 of the submissions does not count toward it. Last evaluated 2026-02-27.

Conditions:
Cystinuria (CSNU). Also called: CYSTINURIA, TYPE I; CYSTINURIA, TYPE II; CYSTINURIA, TYPE III; Cystinuria, non-type I. Identifiers: Orphanet 214, MedGen C0010691, MONDO:0009067, OMIM 220100, HP:0003131.

Submissions (3):

Laboratorio de Genetica e Diagnostico Molecular, Hospital Israelita Albert Einstein
Classification: Uncertain significance for Cystinuria. Last evaluated: 2026-02-27. Review status: criteria provided, single submitter. Criteria: ACMG Guidelines, 2015. Collection method: clinical testing. Allele origin: germline. Affected: yes.
Comment: ACMG classification criteria: PM2 supporting, PP3 supporting

Fulgent Genetics
Classification: Uncertain significance for Cystinuria. Last evaluated: 2024-03-07. Review status: criteria provided, single submitter. Criteria: ACMG Guidelines, 2015. Collection method: clinical testing. Allele origin: germline.

Chinese Inherited Urolithiasis Consortium, The Affiliated Yantai Yuhuangding Hospital of Qingdao University
Classification: Likely pathogenic for Cystinuria. Last evaluated: 2024-08-26. Review status: no assertion criteria provided. Collection method: clinical testing. Allele origin: paternal. Affected: yes. Observed: 1 variant allele. Not counted in ClinVar's aggregate classification.

NM_000341.4(SLC3A1):c.679C>T (p.Arg227Trp)

Gene: SLC3A1 (solute carrier family 3 member 1; plus strand). Cytogenetic location: 2p21.
Variant type: single nucleotide variant.
Coding change: c.679C>T on transcript NM_000341.4 (MANE Select); coding-DNA position 679, C replaced by T.
Protein change: p.Arg227Trp; replaces arginine 227 with tryptophan.
Molecular consequence: missense variant.
Genome position (GRCh38, 1-based): chr2:44,281,455, C>T. VCF-style: chr2-44281455-C-T. GRCh37 (hg19) VCF-style: chr2-44508594-C-T.
Other names: short protein forms R227W.
Identifiers: ClinVar variation 3359211 (VCV003359211.4).